The following is an entry in ClinVar:

NM_001367624.2(ZNF469):c.847G>A (p.Ala283Thr)

Gene: ZNF469 (zinc finger protein 469; plus strand). Cytogenetic location: 16q24.2.
Variant type: single nucleotide variant.
Coding change: c.847G>A on transcript NM_001367624.2 (MANE Select); coding-DNA position 847, G replaced by A.
Protein change: p.Ala283Thr; replaces alanine 283 with threonine.
Molecular consequence: missense variant.
Genome position (GRCh38, 1-based): chr16:88,428,317, G>A. VCF-style: chr16-88428317-G-A. GRCh37 (hg19) VCF-style: chr16-88494725-G-A.
Other names: short protein forms A283T.
Identifiers: ClinVar variation 1378302 (VCV001378302.6), dbSNP rs923941982, ClinGen allele CA286372161.

ClinVar aggregate classification (germline): Uncertain significance (1 of 4 stars; one submission).

Allele frequency attached by ClinVar (database versions not stated): gnomAD exomes 0.00001.
gnomAD v4.1: 3 of 1,550,182 alleles (0.00019%); highest among the groups gnomAD compares: South Asian, 0.0036%; no homozygotes.

Submission:

Labcorp Genetics (formerly Invitae), Labcorp
Classification: Uncertain significance. Last evaluated: 2021-08-28. Review status: criteria provided, single submitter. Criteria: Invitae Variant Classification Sherloc (09022015). Collection method: clinical testing. Allele origin: germline.
Comment: This sequence change replaces alanine with threonine at codon 283 of the ZNF469 protein (p.Ala283Thr). The alanine residue is moderately conserved and there is a small physicochemical difference between alanine and threonine. This variant is not present in population databases (ExAC no frequency). This variant has not been reported in the literature in individuals affected with ZNF469-related conditions. Algorithms developed to predict the effect of missense changes on protein structure and function are either unavailable or do not agree on the potential impact of this missense change (SIFT: "Deleterious"; PolyPhen-2: "Possibly Damaging"; Align-GVGD: "Class C0"). In summary, the available evidence is currently insufficient to determine the role of this variant in disease. Therefore, it has been classified as a Variant of Uncertain Significance.